The following is an entry in ClinVar:

NM_004269.4(MED27):c.451C>T (p.Gln151Ter)

Gene: MED27 (mediator complex subunit 27; minus strand). Cytogenetic location: 9q34.13.
Variant type: single nucleotide variant.
Coding change: c.451C>T on transcript NM_004269.4 (MANE Select); coding-DNA position 451, C replaced by T.
Protein change: p.Gln151Ter; replaces glutamine 151 with a stop codon.
Molecular consequence: nonsense.
Genome position (GRCh38, 1-based): chr9:132,014,365, G>A on the plus strand (C>T on the coding strand, the complement: MED27 is on the minus strand). VCF-style: chr9-132014365-G-A. GRCh37 (hg19) VCF-style: chr9-134889752-G-A.
Other names: c.451C>T, p.Gln151Ter (NM_001253881.2); short protein forms Q151*.
Identifiers: ClinVar variation 3378321 (VCV003378321.2).

ClinVar aggregate classification (germline): Uncertain significance (1 of 4 stars; one submission).

Submission:

GeneDx
Classification: Uncertain significance. Last evaluated: 2025-09-06. Review status: criteria provided, single submitter. Criteria: GeneDx Variant Classification Process June 2021. Collection method: clinical testing. Allele origin: germline. Affected: yes.
Comment: Nonsense variant predicted to result in protein truncation or nonsense mediated decay in a gene or region of a gene for which loss of function is not a well-established mechanism of disease; Has not been previously published as pathogenic or benign to our knowledge